The following is an entry in ClinVar:

NM_002474.3(MYH11):c.5687T>A (p.Ile1896Asn)

Genes: NDE1 (nudE neurodevelopment protein 1; plus strand), MYH11 (myosin heavy chain 11; minus strand). Cytogenetic location: 16p13.11.
Variant type: single nucleotide variant.
Coding change: c.5687T>A on transcript NM_002474.3 (MANE Select); coding-DNA position 5687, T replaced by A.
Protein change: p.Ile1896Asn; replaces isoleucine 1896 with asparagine.
Molecular consequence: missense variant. On other transcripts: intron variant (2).
Genome position (GRCh38, 1-based): chr16:15,715,008, A>T on the plus strand (T>A on the coding strand, the complement: MYH11 is on the minus strand). VCF-style: chr16-15715008-A-T. GRCh37 (hg19) VCF-style: chr16-15808865-A-T.
Other names: c.5708T>A, p.Ile1903Asn (NM_001040113.2, NM_001040114.2); c.5687T>A, p.Ile1896Asn (NM_022844.3); c.948-9183A>T (NM_001143979.2, NM_017668.3); short protein forms I1896N, I1903N.
Identifiers: ClinVar variation 3070929 (VCV003070929.1), dbSNP rs2510047902, ClinGen allele CA394846808.

ClinVar aggregate classification (germline): Uncertain significance (1 of 4 stars; one submission).

Conditions:
Familial thoracic aortic aneurysm and aortic dissection (TAAD). Also called: Thoracic aortic aneurysms and dissections. Identifiers: Orphanet 91387, MedGen C4707243, MONDO:0019625.

Submission:

All of Us Research Program, National Institutes of Health
Classification: Uncertain significance for Familial thoracic aortic aneurysm and aortic dissection. Last evaluated: 2023-05-08. Review status: criteria provided, single submitter. Criteria: ACMG Guidelines, 2015. Collection method: clinical testing. Allele origin: germline. Inheritance: Autosomal dominant inheritance. Observed: 1 variant allele, 1 heterozygote.
Comment: This study involves interpretation of variants in research participants for the purpose of population health screening. Participant phenotype was not available at the time of variant classification. Additional details can be found in publication PMID: 35346344, PMCID: PMC8962531